The following is an entry in ClinVar:

NM_133379.5(TTN):c.12332C>T (p.Thr4111Ile)

Gene: TTN (titin; minus strand). Cytogenetic location: 2q31.2.
Variant type: single nucleotide variant.
Coding change: c.12332C>T on transcript NM_133379.5; coding-DNA position 12332, C replaced by T.
Protein change: p.Thr4111Ile; replaces threonine 4111 with isoleucine.
Molecular consequence: missense variant. On other transcripts: intron variant (6).
Genome position (GRCh38, 1-based): chr2:178,750,068, G>A on the plus strand (C>T on the coding strand, the complement: TTN is on the minus strand). VCF-style: chr2-178750068-G-A. GRCh37 (hg19) VCF-style: chr2-179614795-G-A.
Other names: p.T4111I:ACT>ATT; c.10222+3056C>T (NM_003319.4); c.10798+3056C>T (NM_133437.4); c.10597+3056C>T (NM_133432.3); c.10360+3056C>T (NM_133378.4, NM_001256850.1); c.11311+3056C>T (NM_001267550.2); short protein forms T4111I.
Identifiers: ClinVar variation 203191 (VCV000203191.14), dbSNP rs370317019, ClinGen allele CA311632.

ClinVar aggregate classification (germline): Uncertain significance. Review status: criteria provided, multiple submitters, no conflicts (2 of 4 stars). 2 submissions from 2 submitters: Uncertain significance (2). Last evaluated 2021-10-25.

Conditions:
Myopathy, myofibrillar, 9, with early respiratory failure (MFM9). Also called: EDSTROM MYOPATHY; MYOPATHY, PROXIMAL, WITH EARLY RESPIRATORY MUSCLE INVOLVEMENT; Myopathy, distal, with early respiratory failure, autosomal dominant; Hereditary myopathy with early respiratory failure. Identifiers: Orphanet 178464, Orphanet 34521, MedGen C1863599, MONDO:0011362, OMIM 603689.
Early-onset myopathy with fatal cardiomyopathy (CMYO5). Also called: CONGENITAL MYOPATHY 5 WITH CARDIOMYOPATHY; Salih Myopathy. Identifiers: Orphanet 289377, MedGen C2673677, MONDO:0012714, OMIM 611705. Disease mechanism: loss of function.
Hypertrophic cardiomyopathy 9. Also called: Familial hypertrophic cardiomyopathy 9. Identifiers: MedGen C1861065, MONDO:0013412, OMIM 613765.
Dilated cardiomyopathy 1G (CMD1G). Identifiers: Orphanet 154, MedGen C1858763, MONDO:0011400, OMIM 604145.
Tibial muscular dystrophy (TMD). Also called: UDD MYOPATHY; Tibial muscular dystrophy, tardive; Udd Distal Myopathy – Tibial Muscular Dystrophy. Identifiers: Orphanet 609, MedGen C1838244, MONDO:0010870, OMIM 600334.
Autosomal recessive limb-girdle muscular dystrophy type 2J (LGMDR10). Also called: MUSCULAR DYSTROPHY, LIMB-GIRDLE, AUTOSOMAL RECESSIVE 10; Limb-girdle muscular dystrophy, type 2J. Identifiers: Orphanet 140922, MedGen C1837342, MONDO:0012127, OMIM 608807.

Allele frequency attached by ClinVar (database versions not stated): ExAC 0.00001; gnomAD exomes 0.00001 and 0.00003; gnomAD 0.00002 and 0.00003; TOPMed 0.00003; 1000 Genomes Project 30x 0.00016; 1000 Genomes Project 0.00020.
gnomAD v4.1: 25 of 1,613,222 alleles (0.0015%); highest among the groups gnomAD compares: East Asian, 0.033%; no homozygotes.

Submissions (2):

Fulgent Genetics
Classification: Uncertain significance for Tibial muscular dystrophy; Myopathy, myofibrillar, 9, with early respiratory failure; Dilated cardiomyopathy 1G; Autosomal recessive limb-girdle muscular dystrophy type 2J; Early-onset myopathy with fatal cardiomyopathy; Hypertrophic cardiomyopathy 9. Last evaluated: 2021-10-25. Review status: criteria provided, single submitter. Criteria: ACMG Guidelines, 2015. Collection method: clinical testing. Allele origin: unknown.

GeneDx
Classification: Uncertain significance. Last evaluated: 2013-12-30. Review status: criteria provided, single submitter. Criteria: GeneDx Variant Classification (06012015). Collection method: clinical testing. Allele origin: germline. Affected: yes.
Comment: Missense variants in the TTN gene are considered 'unclassified' if they are not previously reported in the literature and do not have >1% frequency in the population to be considered a polymorphism. Research indicates that truncating mutations in the TTN gene are expected to account for approximately 25% of familial and 18% of sporadic idiopathic DCM; however, truncating variants in the TTN gene have been reported in approximately 3% of reported control alleles. There has been little investigation into non-truncating variants. (Herman D et al. Truncations of titin causing dilated cardiomyopathy. N Eng J Med 366:619-628, 2012) The variant is found in CARDIOMYOPATHY panel(s).